The following is an entry in ClinVar:

ClinVar aggregate classification (germline): Uncertain significance (1 of 4 stars; one submission).

Conditions:
Immunodeficiency 77. Identifiers: MedGen C5543173, MONDO:0030973, OMIM 619223.

Submission:

Victorian Clinical Genetics Services, Murdoch Childrens Research Institute
Classification: Uncertain significance for Immunodeficiency 77. Last evaluated: 2023-07-17. Review status: criteria provided, single submitter. Criteria: ACMG Guidelines, 2015. Collection method: clinical testing. Allele origin: germline. Inheritance: Autosomal dominant inheritance.
Comment: Based on the classification scheme VCGS_Germline_v1.3.4, this variant is classified as VUS-3B. Following criteria are met: 0105 - The mechanism of disease for this gene is not clearly established. However, loss-of-function is the suggested mechanism (PMID: 33224153). (I) 0107 - This gene is associated with autosomal dominant disease. (I) 0115 - Variants in this gene are known to have variable expressivity. Age of onset has been reported to be highly variable (PMIDs: 28422754, 33224153). (I) 0204 - Variant is predicted to result in a truncated protein (premature termination codon is NOT located at least 54 nucleotides upstream of the final exon-exon junction) with at least 1/3 of the protein sequence affected. (SP) 0251 - This variant is heterozygous. (I) 0301 - Variant is absent from gnomAD (both v2 and v3). (SP) 0604 - Variant is not affecting an established domain, motif, hotspot or informative constraint region. (I) 0705 - No comparable downstream protein-truncating variants have previous evidence for pathogenicity. (I) 0807 - This variant has no previous evidence of pathogenicity. (I) 0905 - No published segregation evidence has been identified for this variant. (I) 1007 - No published functional evidence has been identified for this variant. (I) 1208 - Inheritance information for this variant is not currently available in this individual. (I) Legend: (SP) - Supporting pathogenic, (I) - Information, (SB) - Supporting benign

Literature cited by the submitters: PubMed 28422754; PubMed 33224153.

NM_001039396.2(MPEG1):c.1295_1296del (p.His432fs)

Gene: MPEG1 (macrophage expressed 1; minus strand). Cytogenetic location: 11q12.1.
Variant type: Deletion.
Coding change: c.1295_1296del on transcript NM_001039396.2 (MANE Select); coding-DNA positions 1295 to 1296, 2 bases deleted (AC; older notation c.1295_1296delAC).
Protein change: p.His432fs; shifts the reading frame from histidine 432.
Molecular consequence: frameshift variant.
Genome position (GRCh38, 1-based): chr11:59,211,570-59,211,571, GT deleted on the plus strand (AC on the coding strand, the reverse complement: MPEG1 is on the minus strand); deleting any 2 consecutive bases within chr11:59,211,570-59,211,572 gives the same sequence; the c. name uses the placement nearest the transcript's 3' end. VCF-style (leftmost placement, unchanged base first): chr11-59211569-GGT-G. GRCh37 (hg19) VCF-style: chr11-58979042-GGT-G.
Other names: short protein forms H432fs.
Identifiers: ClinVar variation 3254819 (VCV003254819.1), dbSNP rs2496451319.
Genomic context (GRCh38, chr11:59,211,569, plus strand): 5'-ACACATCTTCACACACGGTCTTGCAGAAGACGAGGAGAGTGCACTTTCGATGACACTCCA[GGT>G]GGTTGTAACCCTCCTCGTGGATCTGGGATAACAGGTGCACCGGGGAGTAGCCAGAGGGGC-3'